The following is an entry in ClinVar:

NM_000434.4(NEU1):c.846G>C (p.Gln282His)

Gene: NEU1 (neuraminidase 1; minus strand). Cytogenetic location: 6p21.33.
Variant type: single nucleotide variant.
Coding change: c.846G>C on transcript NM_000434.4 (MANE Select); coding-DNA position 846, G replaced by C.
Protein change: p.Gln282His; replaces glutamine 282 with histidine.
Molecular consequence: missense variant.
Genome position (GRCh38, 1-based): chr6:31,860,217, C>G on the plus strand (G>C on the coding strand, the complement: NEU1 is on the minus strand). VCF-style: chr6-31860217-C-G. GRCh37 (hg19) VCF-style: chr6-31827994-C-G.
Other names: short protein forms Q282H.
Identifiers: ClinVar variation 5003166 (VCV005003166.1).

ClinVar aggregate classification (germline): Uncertain significance (1 of 4 stars; one submission).

Conditions:
Sialidosis type 2. Also called: NEU DEFICIENCY; NEUG DEFICIENCY; NEURAMINIDASE 1 DEFICIENCY; SIALIDASE DEFICIENCY; SIALIDOSIS, TYPE II; NEURAMINIDASE DEFICIENCY. Identifiers: Orphanet 812, Orphanet 87876, MedGen C4282398, MONDO:0009738, OMIM 256550.

Submission:

OLLIN Analises Genomicas, OLLIN
Classification: Uncertain significance for Sialidosis type 2. Last evaluated: 2026-08-06. Review status: criteria provided, single submitter. Criteria: ACMG Guidelines 2015 PMID 25741868. Collection method: clinical testing. Allele origin: germline. Inheritance: Autosomal recessive inheritance.
Comment: This missense variant, located in exon 5 (of 6), is absent from gnomAD and ClinVar but has been reported in the scientific literature, in compound heterozygosity, in individuals with NEU1 related disorders (PMID: 21214877). In silico analysis predicts that this variant has a deleterious effect. According to the currently available evidence, this variant has been classified as uncertain significance (PM2_P, PM3_P, PP3_M).

Literature cited by the submitters: PubMed 21214877.